The following is an entry in ClinVar:

NM_004304.5(ALK):c.4538A>C (p.Glu1513Ala)

Gene: ALK (ALK receptor tyrosine kinase; minus strand). Cytogenetic location: 2p23.2.
Variant type: single nucleotide variant.
Coding change: c.4538A>C on transcript NM_004304.5 (MANE Select); coding-DNA position 4538, A replaced by C.
Protein change: p.Glu1513Ala; replaces glutamic acid 1513 with alanine.
Molecular consequence: missense variant.
Genome position (GRCh38, 1-based): chr2:29,193,549, T>G on the plus strand (A>C on the coding strand, the complement: ALK is on the minus strand). VCF-style: chr2-29193549-T-G. GRCh37 (hg19) VCF-style: chr2-29416415-T-G.
Other names: c.1334A>C, p.Glu445Ala (NM_001353765.2); short protein forms E1513A, E445A.
Identifiers: ClinVar variation 3525205 (VCV003525205.1).

ClinVar aggregate classification (germline): Uncertain significance (1 of 4 stars; one submission).

Conditions:
Hereditary cancer-predisposing syndrome. Also called: Hereditary Cancer Syndrome; Hereditary neoplastic syndrome; Tumor predisposition; Neoplastic Syndromes, Hereditary. Identifiers: Orphanet 140162, MedGen C0027672, MeSH D009386, MONDO:0015356.

Submission:

Ambry Genetics
Classification: Uncertain significance for Hereditary cancer-predisposing syndrome. Last evaluated: 2024-11-21. Review status: criteria provided, single submitter. Criteria: Ambry Variant Classification Scheme 2023. Collection method: clinical testing. Allele origin: germline.
Comment: The p.E1513A variant (also known as c.4538A>C), located in coding exon 29 of the ALK gene, results from an A to C substitution at nucleotide position 4538. The glutamic acid at codon 1513 is replaced by alanine, an amino acid with dissimilar properties. This amino acid position is conserved. In addition, the in silico prediction for this alteration is inconclusive. Based on the available evidence, the clinical significance of this variant remains unclear.